The following is an entry in ClinVar:

NM_152564.5(VPS13B):c.6552dup (p.Ala2185fs)

Gene: VPS13B (vacuolar protein sorting 13 homolog B; plus strand). Cytogenetic location: 8q22.2.
Variant type: Duplication.
Coding change: c.6552dup on transcript NM_152564.5 (MANE Select); coding-DNA position 6552, one base duplicated (T; older notation c.6552dupT).
Protein change: p.Ala2185fs; shifts the reading frame from alanine 2185.
Molecular consequence: frameshift variant.
Genome position (GRCh38, 1-based): chr8:99,717,268, T duplicated. VCF-style (leftmost placement, unchanged base first): chr8-99717267-G-GT. GRCh37 (hg19) VCF-style: chr8-100729495-G-GT.
Other names: c.6627dup, p.Ala2210fs (NM_017890.5); short protein forms A2210fs, A2185fs.
Identifiers: ClinVar variation 2029117 (VCV002029117.4), dbSNP rs2491562057, ClinGen allele CA2580079139.

ClinVar aggregate classification (germline): Pathogenic (1 of 4 stars; one submission).

Conditions:
Cohen syndrome (COH1). Also called: PEPPER SYNDROME; Cutis verticis gyrata, retinitis pigmentosa, and sensorineural deafness. Identifiers: Orphanet 193, MedGen C0265223, MONDO:0008999, OMIM 216550.

Submission:

Labcorp Genetics (formerly Invitae), Labcorp
Classification: Pathogenic for Cohen syndrome. Last evaluated: 2022-09-05. Review status: criteria provided, single submitter. Criteria: Invitae Variant Classification Sherloc (09022015). Collection method: clinical testing. Allele origin: germline.
Comment: This sequence change creates a premature translational stop signal (p.Ala2210Cysfs*8) in the VPS13B gene. It is expected to result in an absent or disrupted protein product. Loss-of-function variants in VPS13B are known to be pathogenic (PMID: 15141358, 16648375, 20461111). This variant is not present in population databases (gnomAD no frequency). This variant has not been reported in the literature in individuals affected with VPS13B-related conditions. For these reasons, this variant has been classified as Pathogenic.

Literature cited by the submitters: PubMed 15141358; PubMed 16648375; PubMed 20461111.